The following is an entry in ClinVar:

ClinVar aggregate classification (germline): Uncertain significance (1 of 4 stars; one submission).

Submission:

Labcorp Genetics (formerly Invitae), Labcorp
Classification: Uncertain significance. Last evaluated: 2022-06-20. Review status: criteria provided, single submitter. Criteria: Invitae Variant Classification Sherloc (09022015). Collection method: clinical testing. Allele origin: germline.
Comment: In summary, the available evidence is currently insufficient to determine the role of this variant in disease. Therefore, it has been classified as a Variant of Uncertain Significance. Algorithms developed to predict the effect of missense changes on protein structure and function are either unavailable or do not agree on the potential impact of this missense change (SIFT: "Tolerated"; PolyPhen-2: "Probably Damaging"; Align-GVGD: "Class C0"). This variant has not been reported in the literature in individuals affected with PPP2R5D-related conditions. This variant is not present in population databases (gnomAD no frequency). This sequence change replaces proline, which is neutral and non-polar, with alanine, which is neutral and non-polar, at codon 252 of the PPP2R5D protein (p.Pro252Ala).

NM_006245.4(PPP2R5D):c.754C>G (p.Pro252Ala)

Gene: PPP2R5D (protein phosphatase 2 regulatory subunit B'delta; plus strand). Cytogenetic location: 6p21.1.
Variant type: single nucleotide variant.
Coding change: c.754C>G on transcript NM_006245.4 (MANE Select); coding-DNA position 754, C replaced by G.
Protein change: p.Pro252Ala; replaces proline 252 with alanine.
Molecular consequence: missense variant.
Genome position (GRCh38, 1-based): chr6:43,007,962, C>G. VCF-style: chr6-43007962-C-G. GRCh37 (hg19) VCF-style: chr6-42975700-C-G.
Other names: c.301C>G, p.Pro101Ala (NM_001270476.2); c.658C>G, p.Pro220Ala (NM_180976.3); c.436C>G, p.Pro146Ala (NM_180977.3); short protein forms P101A, P220A, P252A, P146A.
Identifiers: ClinVar variation 1957923 (VCV001957923.5), dbSNP rs2532479182, ClinGen allele CA364189135.
Genomic context (GRCh38, chr6:43,007,962, plus strand): 5'-TCACTGGCTGCTTTCCCTCCCTTGTACCCCCAGCTCCTAGACCTATTTGACAGTGAGGAT[C>G]CTCGAGAGCGGGACTTCCTCAAGACCATTTTGCATCGCATCTATGGCAAGTTTTTGGGGC-3'
Protein context (NP_006236.1, residues 242-262): ALLDLFDSED[Pro252Ala]RERDFLKTIL